The following is an entry in ClinVar:

NM_020812.4(DOCK6):c.55G>A (p.Ala19Thr)

Gene: DOCK6 (dedicator of cytokinesis 6; minus strand). Cytogenetic location: 19p13.2.
Variant type: single nucleotide variant.
Coding change: c.55G>A on transcript NM_020812.4 (MANE Select); coding-DNA position 55, G replaced by A.
Protein change: p.Ala19Thr; replaces alanine 19 with threonine.
Molecular consequence: missense variant.
Genome position (GRCh38, 1-based): chr19:11,253,716, C>T on the plus strand (G>A on the coding strand, the complement: DOCK6 is on the minus strand). VCF-style: chr19-11253716-C-T. GRCh37 (hg19) VCF-style: chr19-11364392-C-T.
Other names: c.55G>A, p.Ala19Thr (NM_001367830.1); c.55G>A (NM_020812.2); short protein forms A19T.
Identifiers: ClinVar variation 1991484 (VCV001991484.2), dbSNP rs951842604, ClinGen allele CA305349836.

ClinVar aggregate classification (germline): Uncertain significance. Review status: criteria provided, multiple submitters, no conflicts (2 of 4 stars). 2 submissions from 2 submitters: Uncertain significance (2). Last evaluated 2025-04-10.

Conditions:
Inborn genetic diseases. Identifiers: MedGen C0950123, MeSH D030342.

Allele frequency attached by ClinVar (database versions not stated): gnomAD exomes 0.00003; TOPMed 0.00004; gnomAD 0.00003.

Submissions (2):

Ambry Genetics
Classification: Uncertain significance for Inborn genetic diseases. Last evaluated: 2025-04-10. Review status: criteria provided, single submitter. Criteria: Ambry Variant Classification Scheme 2023. Collection method: clinical testing. Allele origin: germline.

Labcorp Genetics (formerly Invitae), Labcorp
Classification: Uncertain significance. Last evaluated: 2022-05-20. Review status: criteria provided, single submitter. Criteria: Invitae Variant Classification Sherloc (09022015). Collection method: clinical testing. Allele origin: germline.
Comment: This sequence change replaces alanine, which is neutral and non-polar, with threonine, which is neutral and polar, at codon 19 of the DOCK6 protein (p.Ala19Thr). The frequency data for this variant in the population databases is considered unreliable, as metrics indicate poor data quality at this position in the gnomAD database. This variant has not been reported in the literature in individuals affected with DOCK6-related conditions. Algorithms developed to predict the effect of missense changes on protein structure and function are either unavailable or do not agree on the potential impact of this missense change (SIFT: "Deleterious"; PolyPhen-2: "Benign"; Align-GVGD: "Class C0"). In summary, the available evidence is currently insufficient to determine the role of this variant in disease. Therefore, it has been classified as a Variant of Uncertain Significance.